The following is an entry in ClinVar:

ClinVar aggregate classification (germline): Likely pathogenic. Review status: criteria provided, multiple submitters, no conflicts (2 of 4 stars). 3 submissions from 3 submitters: Likely pathogenic (3). Last evaluated 2024-01-25.

Conditions:
Mucopolysaccharidosis type 6 (MPS6). Also called: MPS VI; N-ACETYLGALACTOSAMINE-4-SULFATASE DEFICIENCY; ARSB DEFICIENCY; ARYLSULFATASE B DEFICIENCY; MPS 6; Maroteaux Lamy syndrome. Identifiers: Orphanet 583, MedGen C0026709, MONDO:0009661, OMIM 253200.

Allele frequency attached by ClinVar (database versions not stated): gnomAD exomes below 0.00001; ExAC 0.00001; gnomAD 0.00001; TOPMed 0.00002.
gnomAD v4.1: 1 of 1,613,644 alleles (0.000062%); highest among the groups gnomAD compares: African/African-American, 0.0013%; no homozygotes.

Submissions (3):

Women's Health and Genetics/Laboratory Corporation of America, LabCorp
Classification: Likely pathogenic for Mucopolysaccharidosis type 6. Last evaluated: 2024-01-25. Review status: criteria provided, single submitter. Criteria: LabCorp Variant Classification Summary - May 2015. Collection method: clinical testing. Allele origin: germline.
Comment: Variant summary: ARSB c.691-1G>A is located in a canonical splice-site and is predicted to affect mRNA splicing resulting in a significantly altered protein due to either exon skipping, shortening, or inclusion of intronic material. Several computational tools predict a significant impact on normal splicing: Three predict the variant abolishes a 3' acceptor site. However, these predictions have yet to be confirmed by functional studies. The variant allele was found at a frequency of 4e-06 in 251218 control chromosomes. c.691-1G>A has been reported in the literature in individuals affected with Mucopolysaccharidosis Type VI (Maroteaux-Lamy Syndrome) (e.g. Karageorgos_2007, Tomanin_2018). These data indicate that the variant may be associated with disease. To our knowledge, no experimental evidence demonstrating an impact on protein function has been reported. The following publications have been ascertained in the context of this evaluation (PMID: 17458871, 30118150). ClinVar contains an entry for this variant (Variation ID: 559804). Based on the evidence outlined above, the variant was classified as likely pathogenic.

Labcorp Genetics (formerly Invitae), Labcorp
Classification: Likely pathogenic for Mucopolysaccharidosis type 6. Last evaluated: 2023-02-10. Review status: criteria provided, single submitter. Criteria: Invitae Variant Classification Sherloc (09022015). Collection method: clinical testing. Allele origin: germline.
Comment: This sequence change affects an acceptor splice site in intron 3 of the ARSB gene. It is expected to disrupt RNA splicing. Variants that disrupt the donor or acceptor splice site typically lead to a loss of protein function (PMID: 16199547), and loss-of-function variants in ARSB are known to be pathogenic (PMID: 17458871, 22133300). This variant is present in population databases (rs778868348, gnomAD 0.007%). Disruption of this splice site has been observed in individual(s) with mucopolysaccharidosis type VI (PMID: 24798265). This variant is also known as IVS3-1g>a. ClinVar contains an entry for this variant (Variation ID: 559804). Studies have shown that disruption of this splice site is associated with altered splicing resulting in unknown protein product impact (PMID: 17458871). In summary, the currently available evidence indicates that the variant is pathogenic, but additional data are needed to prove that conclusively. Therefore, this variant has been classified as Likely Pathogenic.

Laboratory of Diagnosis and Therapy of Lysosomal Disorders, University of Padova
Classification: Likely pathogenic for Mucopolysaccharidosis type 6. Last evaluated: 2018-01-01. Review status: criteria provided, single submitter. Criteria: ACMG Guidelines, 2015. Collection method: curation. Allele origin: germline. Affected: yes.
Comment: Splicing variant in canonical site (PVS1); Very low frequency in ExAC (PM2)

Literature cited by the submitters: PubMed 17458871 (cited by 3 submitters); PubMed 30118150 (cited by Women's Health and Genetics/Laboratory Corporation of America, LabCorp and Laboratory of Diagnosis and Therapy of Lysosomal Disorders, University of Padova); PubMed 16199547 (cited by Labcorp Genetics (formerly Invitae), Labcorp); PubMed 22133300 (cited by Labcorp Genetics (formerly Invitae), Labcorp); PubMed 24798265 (cited by Labcorp Genetics (formerly Invitae), Labcorp and Laboratory of Diagnosis and Therapy of Lysosomal Disorders, University of Padova).

NM_000046.5(ARSB):c.691-1G>A

Gene: ARSB (arylsulfatase B; minus strand). Cytogenetic location: 5q14.1.
Variant type: single nucleotide variant.
Coding change: c.691-1G>A on transcript NM_000046.5 (MANE Select); the canonical splice acceptor site of the intron before coding-DNA position 691, G replaced by A.
Molecular consequence: splice acceptor variant.
Genome position (GRCh38, 1-based): chr5:78,955,503, C>T on the plus strand (G>A on the coding strand, the complement: ARSB is on the minus strand). VCF-style: chr5-78955503-C-T. GRCh37 (hg19) VCF-style: chr5-78251326-C-T.
Other names: c.691-1G>A (NM_198709.3).
Identifiers: ClinVar variation 559804 (VCV000559804.13), dbSNP rs778868348, ClinGen allele CA3318193.